The following is an entry in ClinVar:

ClinVar aggregate classification (germline): Benign. Review status: criteria provided, multiple submitters, no conflicts (2 of 4 stars). 6 submissions from 6 submitters: Benign (6). Last evaluated 2026-02-01.

Conditions:
Imerslund-Grasbeck syndrome type 1 (IGS1). Also called: Megaloblastic anemia 1, Finnish type; MEGALOBLASTIC ANEMIA, 1; Imerslund-Gräsbeck syndrome 1. Identifiers: MedGen C4016819, MONDO:0100156, OMIM 261100.
Imerslund-Grasbeck syndrome. Also called: Megaloblastic anemia due to inborn errors of metabolism; Imerslund-Gräsbeck syndrome; ENTEROCYTE COBALAMIN MALABSORPTION; ENTEROCYTE INTRINSIC FACTOR RECEPTOR, DEFECT OF; PERNICIOUS ANEMIA, JUVENILE, DUE TO SELECTIVE INTESTINAL MALABSORPTION OF VITAMIN B12, WITH PROTEINURIA. Identifiers: Orphanet 35858, MedGen C4551825, MONDO:0009853.

Allele frequency attached by ClinVar (database versions not stated): TOPMed 0.01896; 1000 Genomes Project 0.02995; 1000 Genomes Project 30x 0.02780; gnomAD 0.02065 and 0.01999; ExAC 0.02491; ESP Exome Variant Server 0.01715; gnomAD exomes 0.02444.
gnomAD v4.1: 38,202 of 1,607,084 alleles (2.4%); highest among the groups gnomAD compares: East Asian, 5.3%; 538 homozygotes.

Submissions (6):

Labcorp Genetics (formerly Invitae), Labcorp
Classification: Benign for Imerslund-Grasbeck syndrome. Last evaluated: 2026-02-01. Review status: criteria provided, single submitter. Criteria: Invitae Variant Classification Sherloc (09022015). Collection method: clinical testing. Allele origin: germline.

ARUP Laboratories, Molecular Genetics and Genomics, ARUP Laboratories
Classification: Benign. Last evaluated: 2024-11-21. Review status: criteria provided, single submitter. Criteria: ARUP Molecular Germline Variant Investigation Process 2024. Collection method: clinical testing. Allele origin: germline.

Mayo Clinic Laboratories, Mayo Clinic
Classification: Benign. Last evaluated: 2022-03-09. Review status: criteria provided, single submitter. Criteria: ACMG Guidelines, 2015. Collection method: clinical testing. Allele origin: germline. Observed: 14 variant alleles.

GeneDx
Classification: Benign. Last evaluated: 2020-02-03. Review status: criteria provided, single submitter. Criteria: GeneDx Variant Classification Process June 2021. Collection method: clinical testing. Allele origin: germline. Affected: yes.

Illumina Laboratory Services, Illumina
Classification: Benign for Imerslund-Grasbeck syndrome type 1. Last evaluated: 2018-01-13. Review status: criteria provided, single submitter. Criteria: ICSL Variant Classification Criteria 13 December 2019. Collection method: clinical testing. Allele origin: germline.
Comment: This variant was observed in the ICSL laboratory as part of a predisposition screen in an ostensibly healthy population. It had not been previously curated by ICSL or reported in the Human Gene Mutation Database (HGMD: prior to June 1st, 2018), and was therefore a candidate for classification through an automated scoring system. Utilizing variant allele frequency, disease prevalence and penetrance estimates, and inheritance mode, an automated score was calculated to assess if this variant is too frequent to cause the disease. Based on the score and internal cut-off values, a variant classified as benign is not then subjected to further curation. The score for this variant resulted in a classification of benign for this disease.

Breakthrough Genomics
Classification: Benign. Review status: criteria provided, single submitter. Criteria: ACMG Guidelines, 2015. Collection method: not provided. Allele origin: germline. Inheritance: Autosomal recessive inheritance. Affected: yes.

NM_001081.4(CUBN):c.2791+6A>C

Gene: CUBN (cubilin; minus strand). Cytogenetic location: 10p13.
Variant type: single nucleotide variant.
Coding change: c.2791+6A>C on transcript NM_001081.4 (MANE Select); 6 bases into the intron after coding-DNA position 2791, A replaced by C.
Molecular consequence: intron variant.
Genome position (GRCh38, 1-based): chr10:17,068,599, T>G on the plus strand (A>C on the coding strand, the complement: CUBN is on the minus strand). VCF-style: chr10-17068599-T-G. GRCh37 (hg19) VCF-style: chr10-17110598-T-G.
Other names: p.?.
Identifiers: ClinVar variation 299499 (VCV000299499.30), dbSNP rs78549445, ClinGen allele CA5424874.